The following is an entry in ClinVar:

NM_004519.4(KCNQ3):c.1958A>G (p.Gln653Arg)

Gene: KCNQ3 (potassium voltage-gated channel subfamily Q member 3; minus strand). Cytogenetic location: 8q24.22.
Variant type: single nucleotide variant.
Coding change: c.1958A>G on transcript NM_004519.4 (MANE Select); coding-DNA position 1958, A replaced by G.
Protein change: p.Gln653Arg; replaces glutamine 653 with arginine.
Molecular consequence: missense variant.
Genome position (GRCh38, 1-based): chr8:132,129,923, T>C on the plus strand (A>G on the coding strand, the complement: KCNQ3 is on the minus strand). VCF-style: chr8-132129923-T-C. GRCh37 (hg19) VCF-style: chr8-133142170-T-C.
Other names: p.Q653R:CAG>CGG; c.1598A>G, p.Gln533Arg (NM_001204824.2); short protein forms Q653R, Q533R.
Identifiers: ClinVar variation 205981 (VCV000205981.44), dbSNP rs554833870, ClinGen allele CA315628.

ClinVar aggregate classification (germline): Benign/Likely benign. Review status: criteria provided, multiple submitters, no conflicts (2 of 4 stars). 5 submissions from 5 submitters: Benign (3); Likely benign (2). Last evaluated 2026-07-01.

Conditions:
Inborn genetic diseases. Identifiers: MedGen C0950123, MeSH D030342.
Benign neonatal seizures. Also called: Benign familial neonatal seizures; Convulsions benign familial neonatal dominant form; Autosomal dominant form of benign neonatal seizures; Benign neonatal familial convulsions; Benign familial neonatal epilepsy. Identifiers: Orphanet 1949, MedGen C0220669, MONDO:0016027.
Seizures, benign familial neonatal, 2. Also called: KCNQ3-Related Benign Familial Neonatal Epilepsy; Benign Neonatal Epilepsy 2; CONVULSIONS, BENIGN FAMILIAL NEONATAL, 2; Seizures, benign neonatal, 2; KCNQ3-Related Self-Limited Familial Neonatal Epilepsy (SLFNE). Identifiers: Orphanet 1949, MedGen C1852581, MONDO:0007366, OMIM 121201.

Allele frequency attached by ClinVar (database versions not stated): TOPMed 0.00012; 1000 Genomes Project 30x 0.00328; 1000 Genomes Project 0.00339.
gnomAD v4.1: 870 of 1,614,222 alleles (0.054%); highest among the groups gnomAD compares: South Asian, 0.82%; 11 homozygotes.

Submissions (5):

CeGaT Center for Human Genetics Tuebingen
Classification: Likely benign. Last evaluated: 2026-07-01. Review status: criteria provided, single submitter. Criteria: CeGaT Center For Human Genetics Tuebingen Variant Classification Criteria Version 2. Collection method: clinical testing. Allele origin: germline. Affected: yes. Observed: 3 variant alleles.
Comment: KCNQ3: BS1

Labcorp Genetics (formerly Invitae), Labcorp
Classification: Benign for Benign neonatal seizures. Last evaluated: 2026-02-02. Review status: criteria provided, single submitter. Criteria: Invitae Variant Classification Sherloc (09022015). Collection method: clinical testing. Allele origin: germline.

GeneDx
Classification: Benign. Last evaluated: 2018-01-17. Review status: criteria provided, single submitter. Criteria: GeneDx Variant Classification (06012015). Collection method: clinical testing. Allele origin: germline. Affected: yes.
Comment: This variant is considered likely benign or benign based on one or more of the following criteria: it is a conservative change, it occurs at a poorly conserved position in the protein, it is predicted to be benign by multiple in silico algorithms, and/or has population frequency not consistent with disease.

Illumina Laboratory Services, Illumina
Classification: Benign for Seizures, benign familial neonatal, 2. Last evaluated: 2018-01-13. Review status: criteria provided, single submitter. Criteria: ICSL Variant Classification Criteria 13 December 2019. Collection method: clinical testing. Allele origin: germline.
Comment: This variant was observed in the ICSL laboratory as part of a predisposition screen in an ostensibly healthy population. It had not been previously curated by ICSL or reported in the Human Gene Mutation Database (HGMD: prior to June 1st, 2018), and was therefore a candidate for classification through an automated scoring system. Utilizing variant allele frequency, disease prevalence and penetrance estimates, and inheritance mode, an automated score was calculated to assess if this variant is too frequent to cause the disease. Based on the score and internal cut-off values, a variant classified as benign is not then subjected to further curation. The score for this variant resulted in a classification of benign for this disease.

Ambry Genetics
Classification: Likely benign for Inborn genetic diseases. Last evaluated: 2017-05-24. Review status: criteria provided, single submitter. Criteria: Ambry Variant Classification Scheme 2023. Collection method: clinical testing. Allele origin: germline.